The following is an entry in ClinVar:

ClinVar aggregate classification (germline): Likely pathogenic (1 of 4 stars; one submission).

Conditions:
TRIO-related disorder. Also called: TRIO-related condition; TRIO-related disorders.

Submission:

3billion
Classification: Likely pathogenic for TRIO-related disorder. Last evaluated: 2025-09-17. Review status: criteria provided, single submitter. Criteria: ACMG Guidelines, 2015. Collection method: clinical testing. Allele origin: germline. Affected: yes.
Comment: The variant is not observed in the gnomAD v4.1.0 dataset. Predicted Consequence/Location: Canonical splice site: predicted to alter splicing and result in a loss or disruption of normal protein function. Multiple pathogenic loss-of-function variants are reported downstream of the variant. In silico tools predict the variant to alter splicing and produce an abnormal transcript [SpliceAI: 0.91 (spliceogenicity >=0.2, non-spliceogenicity <0.1)]. Therefore, this variant is classified as Likely pathogenic according to the recommendation of ACMG/AMP guideline.

NM_007118.4(TRIO):c.7632+1G>T

Gene: TRIO (trio Rho guanine nucleotide exchange factor; plus strand). Cytogenetic location: 5p15.2.
Variant type: single nucleotide variant.
Coding change: c.7632+1G>T on transcript NM_007118.4 (MANE Select); the canonical splice donor site of the intron after coding-DNA position 7632, G replaced by T.
Molecular consequence: splice donor variant.
Genome position (GRCh38, 1-based): chr5:14,488,261, G>T. VCF-style: chr5-14488261-G-T. GRCh37 (hg19) VCF-style: chr5-14488370-G-T.
Identifiers: ClinVar variation 4855538 (VCV004855538.1).